The following is an entry in ClinVar:

ClinVar aggregate classification (germline): Uncertain significance (1 of 4 stars; one submission).

Conditions:
Familial hemiplegic migraine. Identifiers: MedGen C0338484, MONDO:0000700.

Allele frequency attached by ClinVar (database versions not stated): gnomAD exomes below 0.00001; ExAC 0.00001; gnomAD 0.00001; TOPMed 0.00001.
gnomAD v4.1: 6 of 1,612,516 alleles (0.00037%); highest among the groups gnomAD compares: African/African-American, 0.0053%; no homozygotes.

Submission:

Labcorp Genetics (formerly Invitae), Labcorp
Classification: Uncertain significance for Familial hemiplegic migraine. Last evaluated: 2022-12-02. Review status: criteria provided, single submitter. Criteria: Invitae Variant Classification Sherloc (09022015). Collection method: clinical testing. Allele origin: germline.
Comment: This sequence change replaces alanine, which is neutral and non-polar, with threonine, which is neutral and polar, at codon 429 of the ATP1A2 protein (p.Ala429Thr). The frequency data for this variant in the population databases is considered unreliable, as metrics indicate poor data quality at this position in the gnomAD database. In summary, the available evidence is currently insufficient to determine the role of this variant in disease. Therefore, it has been classified as a Variant of Uncertain Significance. Advanced modeling of protein sequence and biophysical properties (such as structural, functional, and spatial information, amino acid conservation, physicochemical variation, residue mobility, and thermodynamic stability) performed at Invitae indicates that this missense variant is not expected to disrupt ATP1A2 protein function. ClinVar contains an entry for this variant (Variation ID: 664126). This variant has not been reported in the literature in individuals affected with ATP1A2-related conditions.

NM_000702.4(ATP1A2):c.1285G>A (p.Ala429Thr)

Gene: ATP1A2 (ATPase Na+/K+ transporting subunit alpha 2; plus strand). Cytogenetic location: 1q23.2.
Variant type: single nucleotide variant.
Coding change: c.1285G>A on transcript NM_000702.4 (MANE Select); coding-DNA position 1285, G replaced by A.
Protein change: p.Ala429Thr; replaces alanine 429 with threonine.
Molecular consequence: missense variant.
Genome position (GRCh38, 1-based): chr1:160,129,048, G>A. VCF-style: chr1-160129048-G-A. GRCh37 (hg19) VCF-style: chr1-160098838-G-A.
Other names: short protein forms A429T.
Identifiers: ClinVar variation 664126 (VCV000664126.8), dbSNP rs776086125, ClinGen allele CA1194434.
Genomic context (GRCh38, chr1:160,129,048, plus strand): 5'-TTTGACAAACGATCCCCTACGTGGACGGCCCTGTCTCGAATTGCTGGTCTCTGCAACCGC[G>A]CCGTCTTCAAGGCAGGACAGGAGAACATCTCCGTGTCTAAGGTAGGGGGTCAGGACACAC-3'
Protein context (NP_000693.1, residues 419-439): LSRIAGLCNR[Ala429Thr]VFKAGQENIS